The following is an entry in ClinVar:

NM_002485.5(NBN):c.552_568dup (p.Pro190fs)

Gene: NBN (nibrin; minus strand). Cytogenetic location: 8q21.3.
Variant type: Duplication.
Coding change: c.552_568dup on transcript NM_002485.5 (MANE Select); coding-DNA positions 552 to 568, 17 bases duplicated (TGAGTCCAAGAAGCAGC).
Protein change: p.Pro190fs; shifts the reading frame from proline 190.
Molecular consequence: frameshift variant.
Genome position (GRCh38, 1-based): chr8:89,978,236-89,978,252, GCTGCTTCTTGGACTCA duplicated on the plus strand (TGAGTCCAAGAAGCAGC on the coding strand, the reverse complement: NBN is on the minus strand). VCF-style (leftmost placement, unchanged base first): chr8-89978235-G-GGCTGCTTCTTGGACTCA. GRCh37 (hg19) VCF-style: chr8-90990463-G-GGCTGCTTCTTGGACTCA.
Other names: c.306_322dup, p.Pro108fs (NM_001024688.3); short protein forms P108fs, P190fs.
Identifiers: ClinVar variation 825802 (VCV000825802.5), dbSNP rs1586101198, ClinGen allele CA915945796.

ClinVar aggregate classification (germline): Pathogenic/Likely pathogenic. Review status: criteria provided, multiple submitters, no conflicts (2 of 4 stars). 2 submissions from 2 submitters: Pathogenic (1); Likely pathogenic (1). Last evaluated 2024-03-05.

Conditions:
Hereditary cancer-predisposing syndrome. Also called: Neoplastic Syndromes, Hereditary; Hereditary Cancer Syndrome; Hereditary neoplastic syndrome; Tumor predisposition. Identifiers: Orphanet 140162, MedGen C0027672, MeSH D009386, MONDO:0015356.
Microcephaly, normal intelligence and immunodeficiency (NBS). Also called: Nijmegen breakage syndrome; Microcephaly with normal intelligence immunodeficiency and lymphoreticular malignancies; Nonsyndromal microcephaly autosomal recessive with normal intelligence; Seemanova syndrome 2; Ataxia telangiectasia variant V1; BERLIN BREAKAGE SYNDROME. Identifiers: Orphanet 647, MedGen C0398791, MONDO:0009623, OMIM 251260.

Submissions (2):

Natera, Inc.
Classification: Likely pathogenic for Nijmegen breakage syndrome. Last evaluated: 2024-03-05. Review status: criteria provided, single submitter. Criteria: Natera Variant Classification Schema (03/2026). Collection method: clinical testing. Allele origin: germline.
Comment: The c.552_568dupTGAGTCCAAGAAGCAGC variant in NBN is a frameshift variant predicted to shift the reading frame beginning at codon 190 and leads to a stop codon 47 codons downstream. This variant is expected to result in nonsense mediated decay, truncation, or a dysfunctional protein product. This variant is rare in the general population with a frequency below the threshold expected for the associated phenotype(s). Given the available evidence, this variant is classified as Likely Pathogenic.

Ambry Genetics
Classification: Pathogenic for Hereditary cancer-predisposing syndrome. Last evaluated: 2019-03-05. Review status: criteria provided, single submitter. Criteria: Ambry Variant Classification Scheme 2023. Collection method: clinical testing. Allele origin: germline.
Comment: The c.552_568dup17 variant, located in coding exon 5 of the NBN gene, results from a duplication of TGAGTCCAAGAAGCAGC at nucleotide position 552, causing a translational frameshift with a predicted alternate stop codon (p.P190Lfs*47). This alteration is expected to result in loss of function by premature protein truncation or nonsense-mediated mRNA decay. As such, this alteration is interpreted as a disease-causing mutation.